The following is an entry in ClinVar:

NM_018136.5(ASPM):c.6256C>T (p.Gln2086Ter)

Gene: ASPM (assembly factor for spindle microtubules; minus strand). Cytogenetic location: 1q31.3.
Variant type: single nucleotide variant.
Coding change: c.6256C>T on transcript NM_018136.5 (MANE Select); coding-DNA position 6256, C replaced by T.
Protein change: p.Gln2086Ter; replaces glutamine 2086 with a stop codon.
Molecular consequence: nonsense. On other transcripts: intron variant (1).
Genome position (GRCh38, 1-based): chr1:197,102,995, G>A on the plus strand (C>T on the coding strand, the complement: ASPM is on the minus strand). VCF-style: chr1-197102995-G-A. GRCh37 (hg19) VCF-style: chr1-197072125-G-A.
Other names: c.4066-6831C>T (NM_001206846.2); short protein forms Q2086*.
Identifiers: ClinVar variation 4999669 (VCV004999669.1).

ClinVar aggregate classification (germline): Likely pathogenic (1 of 4 stars; one submission).

Conditions:
ASPM-related disorder. Also called: ASPM-related condition.

gnomAD v4.1: 2 of 1,612,204 alleles (0.00012%); highest among the groups gnomAD compares: Non-Finnish European, 0.00017%; no homozygotes.

Submission:

PreventionGenetics, part of Exact Sciences
Classification: Likely pathogenic for ASPM-related condition. Last evaluated: 2024-12-13. Review status: criteria provided, single submitter. Criteria: ACMG Guidelines, 2015. Collection method: clinical testing. Allele origin: germline.
Comment: The ASPM c.6256C>T variant is predicted to result in premature protein termination (p.Gln2086*). To our knowledge, this variant has not been reported in the literature or in a large population database (gnomAD), indicating this variant is rare. Nonsense variants in ASPM are expected to be pathogenic. This variant is interpreted as likely pathogenic.